The following is an entry in ClinVar:

ClinVar aggregate classification (germline): Uncertain significance (1 of 4 stars; one submission).

Conditions:
Neuropathy, hereditary sensory and autonomic, type 2A (HSAN2A). Also called: ACROOSTEOLYSIS, GIACCAI TYPE; ACROOSTEOLYSIS, NEUROGENIC; MORVAN DISEASE; NEUROPATHY, CONGENITAL SENSORY; NEUROPATHY, HEREDITARY SENSORY RADICULAR, AUTOSOMAL RECESSIVE; NEUROPATHY, HEREDITARY SENSORY, TYPE IIA. Identifiers: Orphanet 970, MedGen C2752089, MONDO:0024309, OMIM 201300.
Pseudohypoaldosteronism type 2C (PHA2C). Also called: Pseudohypoaldosteronism Type IIC. Identifiers: Orphanet 757, Orphanet 88940, MedGen C1840391, MONDO:0013778, OMIM 614492.

gnomAD v4.1: 1 of 1,608,208 alleles (0.000062%); no homozygotes.

Submission:

Labcorp Genetics (formerly Invitae), Labcorp
Classification: Uncertain significance for Neuropathy, hereditary sensory and autonomic, type 2A; Pseudohypoaldosteronism type 2C. Last evaluated: 2023-06-07. Review status: criteria provided, single submitter. Criteria: Invitae Variant Classification Sherloc (09022015). Collection method: clinical testing. Allele origin: germline.
Comment: In summary, the available evidence is currently insufficient to determine the role of this variant in disease. Therefore, it has been classified as a Variant of Uncertain Significance. This variant is present in population databases (rs762728186, gnomAD 0.003%). This variant has not been reported in the literature in individuals affected with WNK1-related conditions. Advanced modeling of protein sequence and biophysical properties (such as structural, functional, and spatial information, amino acid conservation, physicochemical variation, residue mobility, and thermodynamic stability) performed at Invitae indicates that this missense variant is not expected to disrupt WNK1 protein function. This sequence change replaces serine, which is neutral and polar, with arginine, which is basic and polar, at codon 2295 of the WNK1 protein (p.Ser2295Arg).

NM_018979.4(WNK1):c.6129C>G (p.Ser2043Arg)

Gene: WNK1 (WNK lysine deficient protein kinase 1; plus strand). Cytogenetic location: 12p13.33.
Variant type: single nucleotide variant.
Coding change: c.6129C>G on transcript NM_018979.4 (MANE Select); coding-DNA position 6129, C replaced by G.
Protein change: p.Ser2043Arg; replaces serine 2043 with arginine.
Molecular consequence: missense variant.
Genome position (GRCh38, 1-based): chr12:896,616, C>G. VCF-style: chr12-896616-C-G. GRCh37 (hg19) VCF-style: chr12-1005782-C-G.
Other names: c.6909C>G, p.Ser2303Arg (NM_001184985.2); c.5385C>G, p.Ser1795Arg (NM_014823.3); c.6885C>G, p.Ser2295Arg (NM_213655.5); short protein forms S2043R, S2295R, S1795R, S2303R.
Identifiers: ClinVar variation 2934242 (VCV002934242.3), dbSNP rs762728186, ClinGen allele CA6383336.
Genomic context (GRCh38, chr12:896,616, plus strand): 5'-GGATGATGGTTCCGGTAGTCCACACTCGCCCCATCAGCTGAGCTCAAAGAGCCTTCCTAG[C>G]CAGAATCTAAGTCAAAGCCTTAGTAATTCATTTAACTCCTCTTACATGAGTAGCGACAAT-3'
Protein context (NP_061852.3, residues 2033-2053): PHQLSSKSLP[Ser2043Arg]QNLSQSLSNS